The following is an entry in ClinVar:

NM_001401501.2(MUC16):c.41978+10C>T

Gene: MUC16 (mucin 16, cell surface associated; minus strand). Cytogenetic location: 19p13.2.
Variant type: single nucleotide variant.
Coding change: c.41978+10C>T on transcript NM_001401501.2 (MANE Select); 10 bases into the intron after coding-DNA position 41978, C replaced by T.
Molecular consequence: intron variant.
Genome position (GRCh38, 1-based): chr19:8,882,321, G>A on the plus strand (C>T on the coding strand, the complement: MUC16 is on the minus strand). VCF-style: chr19-8882321-G-A. GRCh37 (hg19) VCF-style: chr19-8992997-G-A.
Other names: c.42404+10C>T (NM_001414686.1); c.41858+10C>T (NM_001414687.1); c.41752+10C>T (NM_024690.2).
Identifiers: ClinVar variation 3056281 (VCV003056281.2), dbSNP rs1358828416, ClinGen allele CA631395248.

ClinVar aggregate classification (germline): Likely benign (0 of 4 stars; one submission).

Conditions:
MUC16-related disorder. Also called: MUC16-related condition.

Allele frequency attached by ClinVar (database versions not stated): gnomAD 0.00007; 1000 Genomes Project 30x 0.00781.

Submission:

PreventionGenetics, part of Exact Sciences
Classification: Likely benign for MUC16-related condition. Last evaluated: 2019-10-28. Review status: no assertion criteria provided. Collection method: clinical testing. Allele origin: germline.
Comment: This variant is classified as likely benign based on ACMG/AMP sequence variant interpretation guidelines (Richards et al. 2015 PMID: 25741868, with internal and published modifications).